The following is an entry in ClinVar:

NM_001365088.1(SLC12A6):c.92C>G (p.Thr31Ser)

Gene: SLC12A6 (solute carrier family 12 member 6; minus strand). Cytogenetic location: 15q14.
Variant type: single nucleotide variant.
Coding change: c.92C>G on transcript NM_001365088.1 (MANE Select); coding-DNA position 92, C replaced by G.
Protein change: p.Thr31Ser; replaces threonine 31 with serine.
Molecular consequence: missense variant. On other transcripts: 5 prime UTR variant (2).
Genome position (GRCh38, 1-based): chr15:34,336,589, G>C on the plus strand (C>G on the coding strand, the complement: SLC12A6 is on the minus strand). VCF-style: chr15-34336589-G-C. GRCh37 (hg19) VCF-style: chr15-34628790-G-C.
Other names: c.-86C>G (NM_001042494.2, NM_001042495.2); c.65C>G, p.Thr22Ser (NM_001042496.2); c.92C>G, p.Thr31Ser (NM_001042497.2, NM_133647.2); short protein forms T31S, T22S.
Identifiers: ClinVar variation 2199218 (VCV002199218.4), dbSNP rs2510086370, ClinGen allele CA391621713.

ClinVar aggregate classification (germline): Uncertain significance (1 of 4 stars; one submission).

Allele frequency attached by ClinVar (database versions not stated): gnomAD exomes below 0.00001.
gnomAD v4.1: 1 of 1,613,750 alleles (0.000062%); highest among the groups gnomAD compares: South Asian, 0.0011%; no homozygotes.

Submission:

Labcorp Genetics (formerly Invitae), Labcorp
Classification: Uncertain significance. Last evaluated: 2022-03-29. Review status: criteria provided, single submitter. Criteria: Invitae Variant Classification Sherloc (09022015). Collection method: clinical testing. Allele origin: germline.
Comment: In summary, the available evidence is currently insufficient to determine the role of this variant in disease. Therefore, it has been classified as a Variant of Uncertain Significance. Advanced modeling of protein sequence and biophysical properties (such as structural, functional, and spatial information, amino acid conservation, physicochemical variation, residue mobility, and thermodynamic stability) performed at Invitae indicates that this missense variant is not expected to disrupt SLC12A6 protein function. This variant has not been reported in the literature in individuals affected with SLC12A6-related conditions. This variant is not present in population databases (gnomAD no frequency). This sequence change replaces threonine, which is neutral and polar, with serine, which is neutral and polar, at codon 31 of the SLC12A6 protein (p.Thr31Ser).